The following is an entry in ClinVar:

NM_001122630.2(CDKN1C):c.161_164del (p.Phe54fs)

Gene: CDKN1C (cyclin dependent kinase inhibitor 1C; minus strand). Cytogenetic location: 11p15.4.
Variant type: Deletion.
Coding change: c.161_164del on transcript NM_001122630.2 (MANE Select); coding-DNA positions 161 to 164, 4 bases deleted (TCCA; older notation c.161_164delTCCA).
Protein change: p.Phe54fs; shifts the reading frame from phenylalanine 54.
Molecular consequence: frameshift variant.
Genome position (GRCh38, 1-based): chr11:2,885,293-2,885,296, TGGA deleted on the plus strand (TCCA on the coding strand, the reverse complement: CDKN1C is on the minus strand). VCF-style (leftmost placement, unchanged base first): chr11-2885292-CTGGA-C. GRCh37 (hg19) VCF-style: chr11-2906522-CTGGA-C.
Other names: c.194_197del, p.Phe65fs (NM_000076.2, NM_001362474.2); c.161_164del, p.Phe54fs (NM_001122631.2, NM_001362475.2); short protein forms F65fs, F54fs.
Identifiers: ClinVar variation 2857337 (VCV002857337.3), dbSNP rs2494389952, ClinGen allele CA2739276086.

ClinVar aggregate classification (germline): Pathogenic (1 of 4 stars; one submission).

Conditions:
Beckwith-Wiedemann syndrome (BWS). Also called: Exomphalos macroglossia gigantism syndrome; EMG SYNDROME. Identifiers: Orphanet 116, MedGen C0004903, MONDO:0007534, OMIM 130650.

Submission:

Labcorp Genetics (formerly Invitae), Labcorp
Classification: Pathogenic for Beckwith-Wiedemann syndrome. Last evaluated: 2024-04-10. Review status: criteria provided, single submitter. Criteria: Invitae Variant Classification Sherloc (09022015). Collection method: clinical testing. Allele origin: germline.
Comment: This sequence change creates a premature translational stop signal (p.Phe65Cysfs*206) in the CDKN1C gene. It is expected to result in an absent or disrupted protein product. Loss-of-function variants in CDKN1C are known to be pathogenic (PMID: 20503313). This variant is not present in population databases (gnomAD no frequency). This variant has not been reported in the literature in individuals affected with CDKN1C-related conditions. For these reasons, this variant has been classified as Pathogenic.

Literature cited by the submitters: PubMed 20503313.